The following is an entry in ClinVar:

NM_003737.4(DCHS1):c.1075C>G (p.Gln359Glu)

Gene: DCHS1 (dachsous cadherin-related 1; minus strand). Cytogenetic location: 11p15.4.
Variant type: single nucleotide variant.
Coding change: c.1075C>G on transcript NM_003737.4 (MANE Select); coding-DNA position 1075, C replaced by G.
Protein change: p.Gln359Glu; replaces glutamine 359 with glutamic acid.
Molecular consequence: missense variant.
Genome position (GRCh38, 1-based): chr11:6,640,539, G>C on the plus strand (C>G on the coding strand, the complement: DCHS1 is on the minus strand). VCF-style: chr11-6640539-G-C. GRCh37 (hg19) VCF-style: chr11-6661770-G-C.
Other names: short protein forms Q359E.
Identifiers: ClinVar variation 2743847 (VCV002743847.3), dbSNP rs2493841637, ClinGen allele CA379437017.
Genomic context (GRCh38, chr11:6,640,539, plus strand): 5'-CGGCCTCAGACACTTGGGGGGAGCCATCTGCACTGAGAAAGATGACAGTCATGGAGGGCT[G>C]ATTGTCATTGGCATCTCGCACATGCACAGTCACAAAGGCCGAGCCCAGCTCAGGGTGAGC-3'
Protein context (NP_003728.1, residues 349-369): TVHVRDANDN[Gln359Glu]PSMTVIFLSA

ClinVar aggregate classification (germline): Uncertain significance (1 of 4 stars; one submission).

Submission:

Labcorp Genetics (formerly Invitae), Labcorp
Classification: Uncertain significance. Last evaluated: 2023-07-16. Review status: criteria provided, single submitter. Criteria: Invitae Variant Classification Sherloc (09022015). Collection method: clinical testing. Allele origin: germline.
Comment: This sequence change replaces glutamine, which is neutral and polar, with glutamic acid, which is acidic and polar, at codon 359 of the DCHS1 protein (p.Gln359Glu). In summary, the available evidence is currently insufficient to determine the role of this variant in disease. Therefore, it has been classified as a Variant of Uncertain Significance. Advanced modeling of protein sequence and biophysical properties (such as structural, functional, and spatial information, amino acid conservation, physicochemical variation, residue mobility, and thermodynamic stability) performed at Invitae indicates that this missense variant is not expected to disrupt DCHS1 protein function. This variant has not been reported in the literature in individuals affected with DCHS1-related conditions. This variant is not present in population databases (gnomAD no frequency).